The following is an entry in ClinVar:

NM_001100913.3(PACS2):c.992C>T (p.Ser331Leu)

Gene: PACS2 (phosphofurin acidic cluster sorting protein 2; plus strand). Cytogenetic location: 14q32.33.
Variant type: single nucleotide variant.
Coding change: c.992C>T on transcript NM_001100913.3 (MANE Select); coding-DNA position 992, C replaced by T.
Protein change: p.Ser331Leu; replaces serine 331 with leucine.
Molecular consequence: missense variant.
Genome position (GRCh38, 1-based): chr14:105,379,771, C>T. VCF-style: chr14-105379771-C-T. GRCh37 (hg19) VCF-style: chr14-105846108-C-T.
Other names: c.767C>T, p.Ser256Leu (NM_001243127.3); c.992C>T, p.Ser331Leu (NM_015197.4); short protein forms S331L, S256L.
Identifiers: ClinVar variation 3687922 (VCV003687922.2).

ClinVar aggregate classification (germline): Uncertain significance (1 of 4 stars; one submission).

gnomAD v4.1: 5 of 1,613,716 alleles (0.00031%); highest among the groups gnomAD compares: Admixed American, 0.0017%; no homozygotes.

Submission:

Labcorp Genetics (formerly Invitae), Labcorp
Classification: Uncertain significance. Last evaluated: 2024-08-03. Review status: criteria provided, single submitter. Criteria: Invitae Variant Classification Sherloc (09022015). Collection method: clinical testing. Allele origin: germline.
Comment: This sequence change replaces serine, which is neutral and polar, with leucine, which is neutral and non-polar, at codon 331 of the PACS2 protein (p.Ser331Leu). This variant is not present in population databases (gnomAD no frequency). This variant has not been reported in the literature in individuals affected with PACS2-related conditions. Advanced modeling of protein sequence and biophysical properties (such as structural, functional, and spatial information, amino acid conservation, physicochemical variation, residue mobility, and thermodynamic stability) performed at Invitae indicates that this missense variant is not expected to disrupt PACS2 protein function with a negative predictive value of 80%. In summary, the available evidence is currently insufficient to determine the role of this variant in disease. Therefore, it has been classified as a Variant of Uncertain Significance.